The following is an entry in ClinVar:

ClinVar aggregate classification (germline): Likely benign. Review status: criteria provided, multiple submitters, no conflicts (2 of 4 stars). 2 submissions from 2 submitters: Likely benign (2). Last evaluated 2024-07-10.

Conditions:
Cardiomyopathy (CMYO). Also called: Cardiomyopathies. Identifiers: Orphanet 167848, MedGen C0878544, MONDO:0004994, HP:0001638. Inheritance: Various modes of inheritance.
Hypertrophic cardiomyopathy. Also called: HYPERTROPHIC MYOCARDIOPATHY. Identifiers: Orphanet 217569, MedGen C0007194, MeSH D002312, MONDO:0005045, HP:0001639.

Submissions (2):

Labcorp Genetics (formerly Invitae), Labcorp
Classification: Likely benign for Hypertrophic cardiomyopathy. Last evaluated: 2024-07-10. Review status: criteria provided, single submitter. Criteria: Invitae Variant Classification Sherloc (09022015). Collection method: clinical testing. Allele origin: germline.

All of Us Research Program, National Institutes of Health
Classification: Likely benign for Cardiomyopathy. Last evaluated: 2023-04-24. Review status: criteria provided, single submitter. Criteria: ACMG Guidelines, 2015. Collection method: clinical testing. Allele origin: germline. Inheritance: Autosomal dominant inheritance. Observed: 1 variant allele, 1 heterozygote.
Comment: This study involves interpretation of variants in research participants for the purpose of population health screening. Participant phenotype was not available at the time of variant classification. Additional details can be found in publication PMID: 35346344, PMCID: PMC8962531

NM_000257.4(MYH7):c.4035G>A (p.Glu1345=)

Gene: MYH7 (myosin heavy chain 7; minus strand). Cytogenetic location: 14q11.2.
Variant type: single nucleotide variant.
Coding change: c.4035G>A on transcript NM_000257.4 (MANE Select); coding-DNA position 4035, G replaced by A.
Protein change: p.Glu1345=; no amino-acid change (glutamic acid 1345 retained).
Molecular consequence: synonymous variant.
Genome position (GRCh38, 1-based): chr14:23,418,344, C>T on the plus strand (G>A on the coding strand, the complement: MYH7 is on the minus strand). VCF-style: chr14-23418344-C-T. GRCh37 (hg19) VCF-style: chr14-23887553-C-T.
Other names: c.4035G>A, p.Glu1345= (NM_001407004.1).
Identifiers: ClinVar variation 3070509 (VCV003070509.3), dbSNP rs1595076332, ClinGen allele CA485618615.